The following is an entry in ClinVar:

ClinVar aggregate classification (germline): Uncertain significance (1 of 4 stars; one submission).

Allele frequency attached by ClinVar (database versions not stated): TOPMed 0.00002.

Submission:

Labcorp Genetics (formerly Invitae), Labcorp
Classification: Uncertain significance. Last evaluated: 2024-05-20. Review status: criteria provided, single submitter. Criteria: Invitae Variant Classification Sherloc (09022015). Collection method: clinical testing. Allele origin: germline.
Comment: This sequence change replaces arginine, which is basic and polar, with lysine, which is basic and polar, at codon 209 of the SLC45A2 protein (p.Arg209Lys). This variant is not present in population databases (gnomAD no frequency). This variant has not been reported in the literature in individuals affected with SLC45A2-related conditions. ClinVar contains an entry for this variant (Variation ID: 1932938). Advanced modeling of protein sequence and biophysical properties (such as structural, functional, and spatial information, amino acid conservation, physicochemical variation, residue mobility, and thermodynamic stability) performed at Invitae indicates that this missense variant is not expected to disrupt SLC45A2 protein function with a negative predictive value of 80%. In summary, the available evidence is currently insufficient to determine the role of this variant in disease. Therefore, it has been classified as a Variant of Uncertain Significance.

NM_016180.5(SLC45A2):c.626G>A (p.Arg209Lys)

Gene: SLC45A2 (solute carrier family 45 member 2; minus strand). Cytogenetic location: 5p13.2.
Variant type: single nucleotide variant.
Coding change: c.626G>A on transcript NM_016180.5 (MANE Select); coding-DNA position 626, G replaced by A.
Protein change: p.Arg209Lys; replaces arginine 209 with lysine.
Molecular consequence: missense variant. On other transcripts: intron variant (1).
Genome position (GRCh38, 1-based): chr5:33,963,953, C>T on the plus strand (G>A on the coding strand, the complement: SLC45A2 is on the minus strand). VCF-style: chr5-33963953-C-T. GRCh37 (hg19) VCF-style: chr5-33964058-C-T.
Other names: c.626G>A, p.Arg209Lys (NM_001012509.4); c.563-9449G>A (NM_001297417.4); short protein forms R209K.
Identifiers: ClinVar variation 1932938 (VCV001932938.4), dbSNP rs777558317, ClinGen allele CA359394222.